The following is an entry in ClinVar:

ClinVar aggregate classification (germline): Likely benign. Review status: criteria provided, multiple submitters, no conflicts (2 of 4 stars). 2 submissions from 2 submitters: Likely benign (2). Last evaluated 2024-02-08.

Allele frequency attached by ClinVar (database versions not stated): 1000 Genomes Project 30x 0.00016.
gnomAD v4.1: 19 of 1,582,366 alleles (0.0012%); highest among the groups gnomAD compares: East Asian, 0.0023%; no homozygotes.

Submissions (2):

Labcorp Genetics (formerly Invitae), Labcorp
Classification: Likely benign. Last evaluated: 2024-02-08. Review status: criteria provided, single submitter. Criteria: Invitae Variant Classification Sherloc (09022015). Collection method: clinical testing. Allele origin: germline.

Women's Health and Genetics/Laboratory Corporation of America, LabCorp
Classification: Likely benign. Last evaluated: 2024-01-11. Review status: criteria provided, single submitter. Criteria: LabCorp Variant Classification Summary - May 2015. Collection method: clinical testing. Allele origin: germline.
Comment: Variant summary: AUTS2 c.2820G>A alters a conserved nucleotide resulting in a synonymous change. The variant allele was found at a frequency of 2.1e-05 in 187722 control chromosomes. The available data on variant occurrences in the general population are insufficient to allow any conclusion about variant significance. To our knowledge, no occurrence of c.2820G>A in individuals affected with Autism Spectrum Disorder Due To AUTS2 Deficiency and no experimental evidence demonstrating its impact on protein function have been reported. No submitters have cited clinical-significance assessments for this variant to ClinVar. Based on the evidence outlined above, the variant was classified as likely benign.

NM_015570.4(AUTS2):c.2820G>A (p.Pro940=)

Gene: AUTS2 (activator of transcription and developmental regulator AUTS2; plus strand). Cytogenetic location: 7q11.22.
Variant type: single nucleotide variant.
Coding change: c.2820G>A on transcript NM_015570.4 (MANE Select); coding-DNA position 2820, G replaced by A.
Protein change: p.Pro940=; no amino-acid change (proline 940 retained).
Molecular consequence: synonymous variant.
Genome position (GRCh38, 1-based): chr7:70,790,036, G>A. VCF-style: chr7-70790036-G-A. GRCh37 (hg19) VCF-style: chr7-70255022-G-A.
Other names: c.2748G>A, p.Pro916= (NM_001127231.3).
Identifiers: ClinVar variation 3063858 (VCV003063858.3), dbSNP rs148406339, ClinGen allele CA4281195.
Genomic context (GRCh38, chr7:70,790,036, plus strand): 5'-CGGGCACGGCCACGAGGGGCGCGCCGCGGGCGAAGAGGCCAAGCAGCTGGCCCGGGTGCC[G>A]TCTCCCTACGTGCGGACCCCGGTGGTGGAGAGTGCCAGGCCCAACAGCACCTCGAGCCGG-3'
Protein context (NP_056385.1, residues 930-950): GEEAKQLARV[Pro940=]SPYVRTPVVE